The following is an entry in ClinVar:

NM_012293.3(PXDN):c.3730C>T (p.Arg1244Ter)

Gene: PXDN (peroxidasin; minus strand). Cytogenetic location: 2p25.3.
Variant type: single nucleotide variant.
Coding change: c.3730C>T on transcript NM_012293.3 (MANE Select); coding-DNA position 3730, C replaced by T.
Protein change: p.Arg1244Ter; replaces arginine 1244 with a stop codon.
Molecular consequence: nonsense.
Genome position (GRCh38, 1-based): chr2:1,644,631, G>A on the plus strand (C>T on the coding strand, the complement: PXDN is on the minus strand). VCF-style: chr2-1644631-G-A. GRCh37 (hg19) VCF-style: chr2-1648403-G-A.
Other names: NC_000002.11:g.1648403G>A; short protein forms R1244*.
Identifiers: ClinVar variation 2629971 (VCV002629971.2), dbSNP rs2546894138, ClinGen allele CA345701458.

ClinVar aggregate classification (germline): Likely pathogenic (1 of 4 stars; one submission).

Conditions:
PXDN-related disorder. Also called: PXDN-related condition.

Allele frequency attached by ClinVar (database versions not stated): gnomAD exomes below 0.00001.
gnomAD v4.1: 5 of 1,599,202 alleles (0.00031%); highest among the groups gnomAD compares: Non-Finnish European, 0.00043%; no homozygotes.

Submissions (2):

PreventionGenetics, part of Exact Sciences
Classification: Likely pathogenic for PXDN-related condition. Last evaluated: 2023-01-27. Review status: criteria provided, single submitter. Criteria: ACMG Guidelines, 2015. Collection method: clinical testing. Allele origin: germline.
Comment: The PXDN c.3730C>T variant is predicted to result in premature protein termination (p.Arg1244*). To our knowledge, this variant has not been reported in the literature or in a large population database, indicating this variant is rare. Nonsense variants in PXDN are expected to be pathogenic. This variant is interpreted as likely pathogenic.

Dr. Peter K. Rogan Lab, Western University
No classification provided (evidence only). Condition: Gastric cancer. Review status: no classification provided. Collection method: in vitro. Allele origin: not applicable. Functional consequence: retained intron. Not counted in ClinVar's aggregate classification.